The following is an entry in ClinVar:

NM_025099.6(CTC1):c.1264G>A (p.Ala422Thr)

Gene: CTC1 (CST telomere replication complex component 1; minus strand). Cytogenetic location: 17p13.1.
Variant type: single nucleotide variant.
Coding change: c.1264G>A on transcript NM_025099.6 (MANE Select); coding-DNA position 1264, G replaced by A.
Protein change: p.Ala422Thr; replaces alanine 422 with threonine.
Molecular consequence: missense variant. On other transcripts: non-coding transcript variant (1).
Genome position (GRCh38, 1-based): chr17:8,235,228, C>T on the plus strand (G>A on the coding strand, the complement: CTC1 is on the minus strand). VCF-style: chr17-8235228-C-T. GRCh37 (hg19) VCF-style: chr17-8138546-C-T.
Other names: short protein forms A422T.
Identifiers: ClinVar variation 1312568 (VCV001312568.5), dbSNP rs369078832, ClinGen allele CA8372408.
Genomic context (GRCh38, chr17:8,235,228, plus strand): 5'-GAGCCCCAGGCTTCTGACGAGAGAAGCTTTGAAGCAGAACGGCGCCACGGAGGCAGGGGG[C>T]GAGCACTGGCCTTCTTGTCCCCCCTCCCACTGACTGGAGCAGGTGAACATCCTGGAGCTG-3'
Protein context (NP_079375.3, residues 412-432): VGGGTRRPVL[Ala422Thr]PCLRGAVLLQ

ClinVar aggregate classification (germline): Uncertain significance. Review status: criteria provided, multiple submitters, no conflicts (2 of 4 stars). 3 submissions from 3 submitters: Uncertain significance (3). Last evaluated 2024-03-07.

Conditions:
Dyskeratosis congenita. Identifiers: Orphanet 1775, MedGen C0265965, MONDO:0015780.
Cerebroretinal microangiopathy with calcifications and cysts 1 (CRMCC1). Identifiers: Orphanet 313838, MedGen C4552029, MONDO:0024564, OMIM 612199.

Allele frequency attached by ClinVar (database versions not stated): ExAC 0.00003; gnomAD 0.00006 and 0.00007; ESP Exome Variant Server 0.00008.
gnomAD v4.1: 72 of 1,614,104 alleles (0.0045%); highest among the groups gnomAD compares: Middle Eastern, 0.016%; no homozygotes.

Submissions (3):

Fulgent Genetics
Classification: Uncertain significance for Cerebroretinal microangiopathy with calcifications and cysts 1. Last evaluated: 2024-03-07. Review status: criteria provided, single submitter. Criteria: ACMG Guidelines, 2015. Collection method: clinical testing. Allele origin: germline.

Labcorp Genetics (formerly Invitae), Labcorp
Classification: Uncertain significance for Dyskeratosis congenita. Last evaluated: 2022-07-24. Review status: criteria provided, single submitter. Criteria: Invitae Variant Classification Sherloc (09022015). Collection method: clinical testing. Allele origin: germline.
Comment: This sequence change replaces alanine, which is neutral and non-polar, with threonine, which is neutral and polar, at codon 422 of the CTC1 protein (p.Ala422Thr). This variant is present in population databases (rs369078832, gnomAD 0.009%). This variant has not been reported in the literature in individuals affected with CTC1-related conditions. ClinVar contains an entry for this variant (Variation ID: 1312568). Algorithms developed to predict the effect of missense changes on protein structure and function are either unavailable or do not agree on the potential impact of this missense change (SIFT: "Deleterious"; PolyPhen-2: "Probably Damaging"; Align-GVGD: "Class C0"). In summary, the available evidence is currently insufficient to determine the role of this variant in disease. Therefore, it has been classified as a Variant of Uncertain Significance.

GeneDx
Classification: Uncertain significance. Last evaluated: 2020-03-05. Review status: criteria provided, single submitter. Criteria: GeneDx Variant Classification Process June 2021. Collection method: clinical testing. Allele origin: germline. Affected: yes.
Comment: Has not been previously published as pathogenic or benign to our knowledge; In silico analysis supports that this missense variant does not alter protein structure/function